The following is an entry in ClinVar:

NM_006922.4(SCN3A):c.1441C>T (p.Leu481=)

Gene: SCN3A (sodium voltage-gated channel alpha subunit 3; minus strand). Cytogenetic location: 2q24.3.
Variant type: single nucleotide variant.
Coding change: c.1441C>T on transcript NM_006922.4 (MANE Select); coding-DNA position 1441, C replaced by T.
Protein change: p.Leu481=; no amino-acid change (leucine 481 retained).
Molecular consequence: synonymous variant.
Genome position (GRCh38, 1-based): chr2:165,146,969, G>A on the plus strand (C>T on the coding strand, the complement: SCN3A is on the minus strand). VCF-style: chr2-165146969-G-A. GRCh37 (hg19) VCF-style: chr2-166003479-G-A.
Other names: p.Leu481=; c.1441C>T, p.Leu481= (NM_001081676.2, NM_001081677.2).
Identifiers: ClinVar variation 95445 (VCV000095445.20), dbSNP rs16850131, ClinGen allele CA214455.

ClinVar aggregate classification (germline): Benign. Review status: criteria provided, multiple submitters, no conflicts (2 of 4 stars). 8 submissions from 7 submitters: Benign (8). Last evaluated 2026-02-04.

Conditions:
Developmental and epileptic encephalopathy, 62. Also called: Early infantile epileptic encephalopathy 62. Identifiers: MedGen C4693699, MONDO:0033371, OMIM 617938.
Epilepsy, familial focal, with variable foci 4 (FFEVF4). Identifiers: MedGen C4693694, MONDO:0054776, OMIM 617935.

Allele frequency attached by ClinVar (database versions not stated): gnomAD exomes 0.21395 and 0.22275; gnomAD 0.21998 and 0.22251; 1000 Genomes Project 0.25739; ExAC 0.22148; ESP Exome Variant Server 0.22528; TOPMed 0.22565; 1000 Genomes Project 30x 0.25500.

Submissions (8):

Labcorp Genetics (formerly Invitae), Labcorp
Classification: Benign. Last evaluated: 2026-02-04. Review status: criteria provided, single submitter. Criteria: Invitae Variant Classification Sherloc (09022015). Collection method: clinical testing. Allele origin: germline.

Unidad de Genómica Garrahan, Hospital de Pediatría Garrahan
Classification: Benign. Last evaluated: 2024-07-15. Review status: criteria provided, single submitter. Criteria: ACMG Guidelines, 2015. Collection method: clinical testing. Allele origin: germline. Affected: no. Observed: 30 variant alleles.
Comment: This variant is classified as Benign based on local population frequency. This variant was detected in 32% of patients studied in a panel designed for Epileptic and Developmental Encephalopathy and Progressive Myoclonus Epilepsy. Number of patients: 30. Only high quality variants are reported.

Mayo Clinic Laboratories, Mayo Clinic
Classification: Benign. Last evaluated: 2021-11-29. Review status: criteria provided, single submitter. Criteria: ACMG Guidelines, 2015. Collection method: clinical testing. Allele origin: germline. Observed: 89 variant alleles.

Genome-Nilou Lab
Classification: Benign for Developmental and epileptic encephalopathy, 62. Last evaluated: 2021-07-15. Review status: criteria provided, single submitter. Criteria: ACMG Guidelines, 2015. Collection method: clinical testing. Allele origin: germline. Affected: no.

Genome-Nilou Lab
Classification: Benign for Epilepsy, familial focal, with variable foci 4. Last evaluated: 2021-07-15. Review status: criteria provided, single submitter. Criteria: ACMG Guidelines, 2015. Collection method: clinical testing. Allele origin: germline. Affected: no.

GeneDx
Classification: Benign. Last evaluated: 2020-01-03. Review status: criteria provided, single submitter. Criteria: GeneDx Variant Classification Process June 2021. Collection method: clinical testing. Allele origin: germline. Affected: yes.

Eurofins Ntd Llc (ga)
Classification: Benign. Last evaluated: 2013-07-30. Review status: criteria provided, single submitter. Criteria: EGL Classification Definitions 2015. Collection method: clinical testing. Allele origin: germline. Observed: 3 variant alleles, 3 heterozygotes.

Breakthrough Genomics
Classification: Benign. Review status: criteria provided, single submitter. Criteria: ACMG Guidelines, 2015. Collection method: not provided. Allele origin: germline. Inheritance: Autosomal dominant inheritance. Affected: yes.